The following is an entry in ClinVar:

ClinVar aggregate classification (germline): Uncertain significance. Review status: criteria provided, multiple submitters, no conflicts (2 of 4 stars). 2 submissions from 2 submitters: Uncertain significance (2). Last evaluated 2023-10-13.

Conditions:
Severe combined immunodeficiency due to DNA-PKcs deficiency. Also called: Immunodeficiency 26 with or without neurologic abnormalities; IMMUNODEFICIENCY 26 WITH NEUROLOGIC ABNORMALITIES. Identifiers: Orphanet 317425, MedGen C4014833, MONDO:0014423, OMIM 615966.

Submissions (2):

Labcorp Genetics (formerly Invitae), Labcorp
Classification: Uncertain significance for Severe combined immunodeficiency due to DNA-PKcs deficiency. Last evaluated: 2023-10-13. Review status: criteria provided, single submitter. Criteria: Invitae Variant Classification Sherloc (09022015). Collection method: clinical testing. Allele origin: germline.
Comment: This sequence change replaces alanine, which is neutral and non-polar, with glycine, which is neutral and non-polar, at codon 315 of the PRKDC protein (p.Ala315Gly). This variant is not present in population databases (gnomAD no frequency). This variant has not been reported in the literature in individuals affected with PRKDC-related conditions. ClinVar contains an entry for this variant (Variation ID: 1522432). Advanced modeling of protein sequence and biophysical properties (such as structural, functional, and spatial information, amino acid conservation, physicochemical variation, residue mobility, and thermodynamic stability) performed at Invitae indicates that this missense variant is expected to disrupt PRKDC protein function. In summary, the available evidence is currently insufficient to determine the role of this variant in disease. Therefore, it has been classified as a Variant of Uncertain Significance.

Ambry Genetics
Classification: Uncertain significance. Last evaluated: 2022-11-07. Review status: criteria provided, single submitter. Criteria: Ambry Variant Classification Scheme 2023. Collection method: clinical testing. Allele origin: germline.
Comment: The p.A315G variant (also known as c.944C>G), located in coding exon 10 of the PRKDC gene, results from a C to G substitution at nucleotide position 944. The alanine at codon 315 is replaced by glycine, an amino acid with similar properties. This amino acid position is conserved. In addition, the in silico prediction for this alteration is inconclusive. Since supporting evidence is limited at this time, the clinical significance of this alteration remains unclear.

NM_006904.7(PRKDC):c.944C>G (p.Ala315Gly)

Gene: PRKDC (protein kinase, DNA-activated, catalytic subunit; minus strand). Cytogenetic location: 8q11.21.
Variant type: single nucleotide variant.
Coding change: c.944C>G on transcript NM_006904.7 (MANE Select); coding-DNA position 944, C replaced by G.
Protein change: p.Ala315Gly; replaces alanine 315 with glycine.
Molecular consequence: missense variant.
Genome position (GRCh38, 1-based): chr8:47,943,231, G>C on the plus strand (C>G on the coding strand, the complement: PRKDC is on the minus strand). VCF-style: chr8-47943231-G-C. GRCh37 (hg19) VCF-style: chr8-48855791-G-C.
Other names: c.944C>G, p.Ala315Gly (NM_001081640.2); c.944C>G (NM_006904.6); short protein forms A315G.
Identifiers: ClinVar variation 1522432 (VCV001522432.7), dbSNP rs2154504126, ClinGen allele CA371136032.